The following is an entry in ClinVar:

ClinVar aggregate classification (germline): Uncertain significance. Review status: criteria provided, multiple submitters, no conflicts (2 of 4 stars). 2 submissions from 2 submitters: Uncertain significance (2). Last evaluated 2024-10-29.

Conditions:
Epilepsy, childhood absence, susceptibility to, 6. Identifiers: Orphanet 64280, MedGen C2749872, MONDO:0012763, OMIM 611942.
Hyperaldosteronism, familial, type IV (HALD4). Also called: FH IV; ALDOSTERONISM, PRIMARY, AND HYPERTENSION. Identifiers: Orphanet 642671, MedGen C4310756, MONDO:0014875, OMIM 617027.
Idiopathic generalized epilepsy. Also called: EIG; Generalised epilepsy. Identifiers: MedGen C0270850, MONDO:0005579, OMIM 600669.

gnomAD v4.1: 1 of 1,564,610 alleles (0.000064%); highest among the groups gnomAD compares: Non-Finnish European, 0.000087%; no homozygotes.

Submissions (2):

Labcorp Genetics (formerly Invitae), Labcorp
Classification: Uncertain significance for Idiopathic generalized epilepsy; Hyperaldosteronism, familial, type IV. Last evaluated: 2024-10-29. Review status: criteria provided, single submitter. Criteria: Invitae Variant Classification Sherloc (09022015). Collection method: clinical testing. Allele origin: germline.
Comment: This sequence change replaces arginine, which is basic and polar, with lysine, which is basic and polar, at codon 1935 of the CACNA1H protein (p.Arg1935Lys). This variant is not present in population databases (gnomAD no frequency). This variant has not been reported in the literature in individuals affected with CACNA1H-related conditions. ClinVar contains an entry for this variant (Variation ID: 1718915). Invitae Evidence Modeling of protein sequence and biophysical properties (such as structural, functional, and spatial information, amino acid conservation, physicochemical variation, residue mobility, and thermodynamic stability) indicates that this missense variant is not expected to disrupt CACNA1H protein function with a negative predictive value of 80%. In summary, the available evidence is currently insufficient to determine the role of this variant in disease. Therefore, it has been classified as a Variant of Uncertain Significance.

Fulgent Genetics
Classification: Uncertain significance for Epilepsy, childhood absence, susceptibility to, 6; Hyperaldosteronism, familial, type IV. Last evaluated: 2024-06-17. Review status: criteria provided, single submitter. Criteria: ACMG Guidelines, 2015. Collection method: clinical testing. Allele origin: germline.

NM_021098.3(CACNA1H):c.5804G>A (p.Arg1935Lys)

Gene: CACNA1H (calcium voltage-gated channel subunit alpha1 H; plus strand). Cytogenetic location: 16p13.3.
Variant type: single nucleotide variant.
Coding change: c.5804G>A on transcript NM_021098.3 (MANE Select); coding-DNA position 5804, G replaced by A.
Protein change: p.Arg1935Lys; replaces arginine 1935 with lysine.
Molecular consequence: missense variant.
Genome position (GRCh38, 1-based): chr16:1,218,568, G>A. VCF-style: chr16-1218568-G-A. GRCh37 (hg19) VCF-style: chr16-1268568-G-A.
Other names: c.5786G>A, p.Arg1929Lys (NM_001005407.2); short protein forms R1929K, R1935K.
Identifiers: ClinVar variation 1718915 (VCV001718915.6), dbSNP rs2548729064, ClinGen allele CA394147929.
Genomic context (GRCh38, chr16:1,218,568, plus strand): 5'-TTGCACGCAAGGTGTCCGTGTCCAGGATGCTCTCGCTGCCCAACGACAGCTACATGTTCA[G>A]GCCCGTGGTGCCTGCCTCGGCGCCCCACCCCCGCCCGCTGCAGGAGGTGGAGATGGAGAC-3'
Protein context (NP_066921.2, residues 1925-1945): LSLPNDSYMF[Arg1935Lys]PVVPASAPHP